The following is an entry in ClinVar:

NM_170707.4(LMNA):c.664C>T (p.His222Tyr)

Gene: LMNA (lamin A/C; plus strand). Cytogenetic location: 1q22.
Variant type: single nucleotide variant.
Coding change: c.664C>T on transcript NM_170707.4 (MANE Select); coding-DNA position 664, C replaced by T.
Protein change: p.His222Tyr; replaces histidine 222 with tyrosine.
Molecular consequence: missense variant.
Genome position (GRCh38, 1-based): chr1:156,134,829, C>T. VCF-style: chr1-156134829-C-T. GRCh37 (hg19) VCF-style: chr1-156104620-C-T.
Other names: c.328C>T, p.His110Tyr (NM_001257374.3); c.421C>T, p.His141Tyr (NM_001282624.2); c.664C>T, p.His222Tyr (NM_001282625.2, NM_001282626.2, NM_005572.4 and 1 more transcripts); short protein forms H222Y, H141Y, H110Y.
Identifiers: ClinVar variation 14492 (VCV000014492.4), dbSNP rs28928901, ClinGen allele CA018412.

ClinVar aggregate classification (germline): Uncertain significance. Review status: criteria provided, single submitter (1 of 4 stars). 4 submissions from 4 submitters: Uncertain significance (1). 3 of the submissions do not count toward it. Last evaluated 2024-10-28.

Conditions:
Emery-Dreifuss muscular dystrophy 3, autosomal recessive (EDMD3). Identifiers: Orphanet 261, Orphanet 98855, MedGen C2750035, MONDO:0014676, OMIM 616516.
Cardiomyopathy (CMYO). Also called: Cardiomyopathies. Identifiers: Orphanet 167848, MedGen C0878544, MONDO:0004994, HP:0001638. Inheritance: Various modes of inheritance.
Emery-Dreifuss muscular dystrophy 2, autosomal dominant (EDMD2). Also called: SCAPULOILIOPERONEAL ATROPHY WITH CARDIOPATHY; Benign scapuloperoneal muscular dystrophy with cardiomyopathy; LMNA-Related Emery-Dreifuss Muscular Dystrophy, Autosomal; HAUPTMANN-THANNHAUSER MUSCULAR DYSTROPHY; MUSCULAR DYSTROPHY WITH EARLY CONTRACTURES AND CARDIOMYOPATHY, AUTOSOMAL DOMINANT; Limb-girdle muscular dystrophy, type 1B. Identifiers: Orphanet 261, Orphanet 264, MedGen C0410190, MONDO:0021569, OMIM 181350.

Submissions (4):

Color Diagnostics, LLC DBA Color Health
Classification: Uncertain significance for Cardiomyopathy. Last evaluated: 2024-10-28. Review status: criteria provided, single submitter. Criteria: ACMG Guidelines, 2015. Collection method: clinical testing. Allele origin: germline.
Comment: This missense variant replaces histidine with tyrosine at codon 222 of the LMNA protein. Computational prediction tool is inconclusive regarding the impact of this variant on protein structure and function. To our knowledge, functional studies have not been reported for this variant. This variant has been reported in homozygous state an individual affected with Emery-Dreifuss muscular dystrophy, as well as in both heterozygous unaffected carrier parents (PMID: 10739764, 14659775). This variant has not been identified in the general population by the Genome Aggregation Database (gnomAD). The available evidence is insufficient to determine the role of this variant in disease conclusively. Therefore, this variant is classified as a Variant of Uncertain Significance.

OMIM
Classification: Pathogenic for EMERY-DREIFUSS MUSCULAR DYSTROPHY 3, AUTOSOMAL RECESSIVE. Last evaluated: 2000-04-01. Review status: no assertion criteria provided. Collection method: literature only. Allele origin: germline. Not counted in ClinVar's aggregate classification.

Epithelial Biology;  Institute of Medical Biology, Singapore
No classification provided. Review status: no classification provided. Collection method: not provided. Allele origin: not provided. Not counted in ClinVar's aggregate classification.

GeneReviews
No classification provided. Condition: Emery-Dreifuss muscular dystrophy 2, autosomal dominant. Review status: no classification provided. Collection method: literature only. Allele origin: unknown. Not counted in ClinVar's aggregate classification.

Literature cited by the submitters: PubMed 10739764 (cited by Color Diagnostics, LLC DBA Color Health and OMIM); PubMed 14659775 (cited by Color Diagnostics, LLC DBA Color Health); PubMed 20301609 (cited by GeneReviews); NCBI Bookshelf NBK1436 (cited by GeneReviews).